The following is an entry in ClinVar:

NM_000925.4(PDHB):c.692_695del (p.Glu231fs)

Gene: PDHB (pyruvate dehydrogenase E1 subunit beta; minus strand). Cytogenetic location: 3p14.3.
Variant type: Deletion.
Coding change: c.692_695del on transcript NM_000925.4 (MANE Select); coding-DNA positions 692 to 695, 4 bases deleted (AAAG; older notation c.692_695delAAAG).
Protein change: p.Glu231fs; shifts the reading frame from glutamic acid 231.
Molecular consequence: frameshift variant. On other transcripts: non-coding transcript variant (1).
Genome position (GRCh38, 1-based): chr3:58,430,133-58,430,136, CTTT deleted on the plus strand (AAAG on the coding strand, the reverse complement: PDHB is on the minus strand); deleting any 4 consecutive bases within chr3:58,430,133-58,430,138 gives the same sequence; the c. name uses the placement nearest the transcript's 3' end. VCF-style (leftmost placement, unchanged base first): chr3-58430132-CCTTT-C. GRCh37 (hg19) VCF-style: chr3-58415859-CCTTT-C.
Other names: c.638_641del, p.Glu213fs (NM_001173468.2, NM_001315536.2); short protein forms E213fs, E231fs.
Identifiers: ClinVar variation 3677772 (VCV003677772.4).

ClinVar aggregate classification (germline): Pathogenic/Likely pathogenic. Review status: criteria provided, multiple submitters, no conflicts (2 of 4 stars). 2 submissions from 2 submitters: Pathogenic (1); Likely pathogenic (1). Last evaluated 2025-10-29.

Conditions:
Pyruvate dehydrogenase E1-beta deficiency (PDHBD). Identifiers: Orphanet 255138, Orphanet 765, MedGen C3279841, MONDO:0013580, OMIM 614111.

Submissions (2):

Dasa
Classification: Likely pathogenic. Last evaluated: 2025-10-29. Review status: criteria provided, single submitter. Criteria: DASA Assertion Criteria. Collection method: clinical testing. Allele origin: germline.
Comment: NM_000925.4(PDHB):c.692_695del (p.Glu231Glyfs*6) is a frameshift variant in PDHB predicted to alter the reading frame and introduce a premature termination codon and is predicted to result in an absent or altered protein product. Loss of function is an established disease mechanism for PDHB-associated disorders. Also, this variant is absent from population databases. Based on the currently available evidence, this variant is classified as likely pathogenic.

Labcorp Genetics (formerly Invitae), Labcorp
Classification: Pathogenic for Pyruvate dehydrogenase E1-beta deficiency. Last evaluated: 2024-02-09. Review status: criteria provided, single submitter. Criteria: Invitae Variant Classification Sherloc (09022015). Collection method: clinical testing. Allele origin: germline.
Comment: This sequence change creates a premature translational stop signal (p.Glu231Glyfs*6) in the PDHB gene. It is expected to result in an absent or disrupted protein product. Loss-of-function variants in PDHB are known to be pathogenic (PMID: 21914562, 25356417). This variant is not present in population databases (gnomAD no frequency). This variant has not been reported in the literature in individuals affected with PDHB-related conditions. For these reasons, this variant has been classified as Pathogenic.

Literature cited by the submitters: PubMed 21914562 (cited by Labcorp Genetics (formerly Invitae), Labcorp); PubMed 25356417 (cited by Labcorp Genetics (formerly Invitae), Labcorp).